The following is an entry in ClinVar:

NM_001006658.3(CR2):c.2497G>A (p.Gly833Arg)

Gene: CR2 (complement C3d receptor 2; plus strand). Cytogenetic location: 1q32.2.
Variant type: single nucleotide variant.
Coding change: c.2497G>A on transcript NM_001006658.3 (MANE Select); coding-DNA position 2497, G replaced by A.
Protein change: p.Gly833Arg; replaces glycine 833 with arginine.
Molecular consequence: missense variant.
Genome position (GRCh38, 1-based): chr1:207,474,997, G>A. VCF-style: chr1-207474997-G-A. GRCh37 (hg19) VCF-style: chr1-207648342-G-A.
Other names: c.2320G>A, p.Gly774Arg (NM_001877.5); short protein forms G833R, G774R.
Identifiers: ClinVar variation 1029997 (VCV001029997.10), dbSNP rs768521188, ClinGen allele CA1368988.

ClinVar aggregate classification (germline): Uncertain significance. Review status: criteria provided, multiple submitters, no conflicts (2 of 4 stars). 6 submissions from 6 submitters: Uncertain significance (5). 1 of the submissions does not count toward it. Last evaluated 2025-04-12.

Conditions:
Immunodeficiency, common variable, 7. Identifiers: Orphanet 1572, Orphanet 696894, MedGen C3542922, MONDO:0013862, OMIM 614699.
Inborn genetic diseases. Identifiers: MedGen C0950123, MeSH D030342.
CR2-related disorder. Also called: CR2-related condition; CR2-related disorders.

Allele frequency attached by ClinVar (database versions not stated): gnomAD exomes 0.00001; ExAC 0.00002; gnomAD 0.00004; TOPMed 0.00004.
gnomAD v4.1: 44 of 1,613,936 alleles (0.0027%); highest among the groups gnomAD compares: African/African-American, 0.021%; 1 homozygote.

Submissions (6):

Ambry Genetics
Classification: Uncertain significance for Inborn genetic diseases. Last evaluated: 2025-04-12. Review status: criteria provided, single submitter. Criteria: Ambry Variant Classification Scheme 2023. Collection method: clinical testing. Allele origin: germline.

Blueprint Genetics
Classification: Uncertain significance. Last evaluated: 2024-08-09. Review status: criteria provided, single submitter. Criteria: ACMG Guidelines, 2015. Collection method: clinical testing. Allele origin: germline.

Labcorp Genetics (formerly Invitae), Labcorp
Classification: Uncertain significance for Immunodeficiency, common variable, 7. Last evaluated: 2023-08-17. Review status: criteria provided, single submitter. Criteria: Invitae Variant Classification Sherloc (09022015). Collection method: clinical testing. Allele origin: germline.
Comment: In summary, the available evidence is currently insufficient to determine the role of this variant in disease. Therefore, it has been classified as a Variant of Uncertain Significance. An algorithm developed to predict the effect of missense changes on protein structure and function (PolyPhen-2) suggests that this variant is likely to be disruptive. ClinVar contains an entry for this variant (Variation ID: 1029997). This variant has not been reported in the literature in individuals affected with CR2-related conditions. This variant is present in population databases (rs768521188, gnomAD 0.008%). This sequence change replaces glycine, which is neutral and non-polar, with arginine, which is basic and polar, at codon 833 of the CR2 protein (p.Gly833Arg).

Genome-Nilou Lab
Classification: Uncertain significance for Immunodeficiency, common variable, 7. Last evaluated: 2023-04-11. Review status: criteria provided, single submitter. Criteria: ACMG Guidelines, 2015. Collection method: clinical testing. Allele origin: germline. Affected: no.

Baylor Genetics
Classification: Uncertain significance for Immunodeficiency, common variable, 7. Last evaluated: 2020-01-15. Review status: criteria provided, single submitter. Criteria: ACMG Guidelines, 2015. Collection method: clinical testing. Allele origin: unknown. Affected: yes.
Comment: This variant was determined to be of uncertain significance according to ACMG Guidelines, 2015 [PMID:25741868].

PreventionGenetics, part of Exact Sciences
Classification: Uncertain significance for CR2-related condition. Last evaluated: 2024-07-10. Review status: no assertion criteria provided. Collection method: clinical testing. Allele origin: germline. Not counted in ClinVar's aggregate classification.
Comment: The CR2 c.2497G>A variant is predicted to result in the amino acid substitution p.Gly833Arg. To our knowledge, this variant has not been reported in the literature. This variant is reported in 0.0080% of alleles in individuals of African descent in gnomAD. At this time, the clinical significance of this variant is uncertain due to the absence of conclusive functional and genetic evidence.